The following is an entry in ClinVar:

ClinVar aggregate classification (germline): Conflicting classifications of pathogenicity. Review status: criteria provided, conflicting classifications (1 of 4 stars). 3 submissions from 3 submitters: Uncertain significance (2); Likely benign (1). Last evaluated 2025-12-02.

Conditions:
Hereditary cancer-predisposing syndrome. Also called: Hereditary Cancer Syndrome; Neoplastic Syndromes, Hereditary; Hereditary neoplastic syndrome; Tumor predisposition. Identifiers: Orphanet 140162, MedGen C0027672, MeSH D009386, MONDO:0015356.
Ataxia-telangiectasia syndrome (AT). Also called: Ataxia-telangiectasia, complementation group E; LOUIS-BAR SYNDROME; ATAXIA-TELANGIECTASIA, COMPLEMENTATION GROUP A; Ataxia-telangiectasia, complementation group D; AT, COMPLEMENTATION GROUP C; Ataxia telangiectasia (A-T). Identifiers: Orphanet 100, MedGen C0004135, MONDO:0008840, OMIM 208900.

Submissions (3):

Ambry Genetics
Classification: Likely benign for Hereditary cancer-predisposing syndrome. Last evaluated: 2025-12-02. Review status: criteria provided, single submitter. Criteria: Ambry Variant Classification Scheme 2023. Collection method: clinical testing. Allele origin: germline.

Labcorp Genetics (formerly Invitae), Labcorp
Classification: Uncertain significance for Ataxia-telangiectasia syndrome. Last evaluated: 2025-07-22. Review status: criteria provided, single submitter. Criteria: Invitae Variant Classification Sherloc (09022015). Collection method: clinical testing. Allele origin: germline.
Comment: This sequence change replaces threonine, which is neutral and polar, with asparagine, which is neutral and polar, at codon 1711 of the ATM protein (p.Thr1711Asn). This variant is not present in population databases (gnomAD no frequency). This missense change has been observed in individual(s) with breast cancer (PMID: 30287823). ClinVar contains an entry for this variant (Variation ID: 802760). Invitae Evidence Modeling of protein sequence and biophysical properties (such as structural, functional, and spatial information, amino acid conservation, physicochemical variation, residue mobility, and thermodynamic stability) indicates that this missense variant is not expected to disrupt ATM protein function with a negative predictive value of 95%. In summary, the available evidence is currently insufficient to determine the role of this variant in disease. Therefore, it has been classified as a Variant of Uncertain Significance.

Mendelics
Classification: Uncertain significance for Ataxia-telangiectasia syndrome. Last evaluated: 2019-05-28. Review status: criteria provided, single submitter. Criteria: Mendelics Assertion Criteria 2017. Collection method: clinical testing. Allele origin: unknown.

Literature cited by the submitters: PubMed 30287823 (cited by Labcorp Genetics (formerly Invitae), Labcorp).

NM_000051.4(ATM):c.5132C>A (p.Thr1711Asn)

Gene: ATM (ATM serine/threonine kinase; plus strand). Cytogenetic location: 11q22.3.
Variant type: single nucleotide variant.
Coding change: c.5132C>A on transcript NM_000051.4 (MANE Select); coding-DNA position 5132, C replaced by A.
Protein change: p.Thr1711Asn; replaces threonine 1711 with asparagine.
Molecular consequence: missense variant.
Genome position (GRCh38, 1-based): chr11:108,299,840, C>A. VCF-style: chr11-108299840-C-A. GRCh37 (hg19) VCF-style: chr11-108170567-C-A.
Other names: c.5132C>A, p.Thr1711Asn (NM_001351834.2); c.5132C>A (NM_000051.3); short protein forms T1711N.
Identifiers: ClinVar variation 802760 (VCV000802760.10), dbSNP rs1291016764, ClinGen allele CA382540925.